The following is an entry in ClinVar:

NM_000875.5(IGF1R):c.1217G>A (p.Arg406His)

Gene: IGF1R (insulin like growth factor 1 receptor; plus strand). Cytogenetic location: 15q26.3.
Variant type: single nucleotide variant.
Coding change: c.1217G>A on transcript NM_000875.5 (MANE Select); coding-DNA position 1217, G replaced by A.
Protein change: p.Arg406His; replaces arginine 406 with histidine.
Molecular consequence: missense variant.
Genome position (GRCh38, 1-based): chr15:98,899,591, G>A. VCF-style: chr15-98899591-G-A. GRCh37 (hg19) VCF-style: chr15-99442820-G-A.
Other names: c.1217G>A, p.Arg406His (NM_001291858.2); short protein forms R406H.
Identifiers: ClinVar variation 2736264 (VCV002736264.3), dbSNP rs148662051, ClinGen allele CA7752041.

ClinVar aggregate classification (germline): Uncertain significance (1 of 4 stars; one submission).

Allele frequency attached by ClinVar (database versions not stated): ExAC 0.00003; gnomAD 0.00006; TOPMed 0.00006; ESP Exome Variant Server 0.00015.
gnomAD v4.1: 82 of 1,613,964 alleles (0.0051%); highest among the groups gnomAD compares: Non-Finnish European, 0.0062%; no homozygotes.

Submission:

Labcorp Genetics (formerly Invitae), Labcorp
Classification: Uncertain significance. Last evaluated: 2025-08-13. Review status: criteria provided, single submitter. Criteria: Invitae Variant Classification Sherloc (09022015). Collection method: clinical testing. Allele origin: germline.
Comment: This sequence change replaces arginine, which is basic and polar, with histidine, which is basic and polar, at codon 406 of the IGF1R protein (p.Arg406His). This variant is present in population databases (rs148662051, gnomAD 0.008%). This missense change has been observed in individual(s) with craniosynostosis (PMID: 21204214). ClinVar contains an entry for this variant (Variation ID: 2736264). Invitae Evidence Modeling of protein sequence and biophysical properties (such as structural, functional, and spatial information, amino acid conservation, physicochemical variation, residue mobility, and thermodynamic stability) indicates that this missense variant is not expected to disrupt IGF1R protein function with a negative predictive value of 80%. In summary, the available evidence is currently insufficient to determine the role of this variant in disease. Therefore, it has been classified as a Variant of Uncertain Significance.

Literature cited by the submitters: PubMed 21204214.